The following is an entry in ClinVar:

NM_181336.4(LEMD2):c.77C>G (p.Thr26Ser)

Genes: LEMD2 (LEM domain nuclear envelope protein 2; minus strand), LOC129996186 (ATAC-STARR-seq lymphoblastoid silent region 17057; plus strand). Cytogenetic location: 6p21.31.
Variant type: single nucleotide variant.
Coding change: c.77C>G on transcript NM_181336.4 (MANE Select); coding-DNA position 77, C replaced by G.
Protein change: p.Thr26Ser; replaces threonine 26 with serine.
Molecular consequence: missense variant. On other transcripts: 5 prime UTR variant (1).
Genome position (GRCh38, 1-based): chr6:33,789,040, G>C on the plus strand (C>G on the coding strand, the complement: LEMD2 is on the minus strand). VCF-style: chr6-33789040-G-C. GRCh37 (hg19) VCF-style: chr6-33756817-G-C.
Other names: c.-436C>G (NM_001348709.2); c.77C>G, p.Thr26Ser (NM_001348710.2); short protein forms T26S.
Identifiers: ClinVar variation 2715032 (VCV002715032.3), dbSNP rs201742534, ClinGen allele CA137120057.
Genomic context (GRCh38, chr6:33,789,040, plus strand): 5'-TCGCGCAGCCGGGCCTCGCCCCGCAGGCGGCGCAGCTTGTTGCGGTAGACATCCCGGGTG[G>C]TGTCGGTGATGGGTCCTGGCTGGAAGCCCAGGGCCTGCAGCTCCCGCCGCAGTTCCAGGT-3'
Protein context (NP_851853.1, residues 16-36): LGFQPGPITD[Thr26Ser]TRDVYRNKLR

ClinVar aggregate classification (germline): Uncertain significance (1 of 4 stars; one submission).

gnomAD v4.1: 2 of 1,558,060 alleles (0.00013%); highest among the groups gnomAD compares: Admixed American, 0.0037%; no homozygotes.

Submission:

Labcorp Genetics (formerly Invitae), Labcorp
Classification: Uncertain significance. Last evaluated: 2025-04-19. Review status: criteria provided, single submitter. Criteria: Invitae Variant Classification Sherloc (09022015). Collection method: clinical testing. Allele origin: germline.
Comment: This sequence change replaces threonine, which is neutral and polar, with serine, which is neutral and polar, at codon 26 of the LEMD2 protein (p.Thr26Ser). This variant is present in population databases (no rsID available, gnomAD 0.004%). This variant has not been reported in the literature in individuals affected with LEMD2-related conditions. ClinVar contains an entry for this variant (Variation ID: 2715032). An algorithm developed to predict the effect of missense changes on protein structure and function (PolyPhen-2) suggests that this variant is likely to be disruptive. In summary, the available evidence is currently insufficient to determine the role of this variant in disease. Therefore, it has been classified as a Variant of Uncertain Significance.